The following is an entry in ClinVar:

NM_000391.4(TPP1):c.461C>T (p.Pro154Leu)

Gene: TPP1 (tripeptidyl peptidase 1; minus strand). Cytogenetic location: 11p15.4.
Variant type: single nucleotide variant.
Coding change: c.461C>T on transcript NM_000391.4 (MANE Select); coding-DNA position 461, C replaced by T.
Protein change: p.Pro154Leu; replaces proline 154 with leucine.
Molecular consequence: missense variant.
Genome position (GRCh38, 1-based): chr11:6,617,348, G>A on the plus strand (C>T on the coding strand, the complement: TPP1 is on the minus strand). VCF-style: chr11-6617348-G-A. GRCh37 (hg19) VCF-style: chr11-6638579-G-A.
Other names: short protein forms P154L.
Identifiers: ClinVar variation 1369605 (VCV001369605.3), dbSNP rs746299333, ClinGen allele CA5858947.

ClinVar aggregate classification (germline): Uncertain significance (1 of 4 stars; one submission).

Allele frequency attached by ClinVar (database versions not stated): gnomAD exomes below 0.00001; ExAC 0.00001; gnomAD 0.00001; TOPMed 0.00002.

Submission:

Labcorp Genetics (formerly Invitae), Labcorp
Classification: Uncertain significance. Last evaluated: 2022-07-05. Review status: criteria provided, single submitter. Criteria: Invitae Variant Classification Sherloc (09022015). Collection method: clinical testing. Allele origin: germline.
Comment: This sequence change replaces proline, which is neutral and non-polar, with leucine, which is neutral and non-polar, at codon 154 of the TPP1 protein (p.Pro154Leu). This variant is present in population databases (rs746299333, gnomAD 0.006%). This variant has not been reported in the literature in individuals affected with TPP1-related conditions. ClinVar contains an entry for this variant (Variation ID: 1369605). Advanced modeling of protein sequence and biophysical properties (such as structural, functional, and spatial information, amino acid conservation, physicochemical variation, residue mobility, and thermodynamic stability) performed at Invitae indicates that this missense variant is not expected to disrupt TPP1 protein function. Algorithms developed to predict the effect of sequence changes on RNA splicing suggest that this variant may create or strengthen a splice site. In summary, the available evidence is currently insufficient to determine the role of this variant in disease. Therefore, it has been classified as a Variant of Uncertain Significance.